The following is an entry in ClinVar:

NM_002435.3(MPI):c.657del (p.Ile220fs)

Gene: MPI (mannose phosphate isomerase; plus strand). Cytogenetic location: 15q24.1.
Variant type: Deletion.
Coding change: c.657del on transcript NM_002435.3 (MANE Select); coding-DNA position 657, one base deleted (G; older notation c.657delG).
Protein change: p.Ile220fs; shifts the reading frame from isoleucine 220.
Molecular consequence: frameshift variant. On other transcripts: intron variant (1).
Genome position (GRCh38, 1-based): chr15:74,893,307, G deleted; the last of 2 consecutive G bases (chr15:74,893,306-74,893,307); deleting either gives the same sequence. VCF-style (leftmost placement, unchanged base first): chr15-74893305-CG-C. GRCh37 (hg19) VCF-style: chr15-75185646-CG-C.
Other names: c.657del, p.Ile220fs (NM_001289155.2); c.507del, p.Ile170fs (NM_001289156.2); c.597del, p.Ile200fs (NM_001330372.2); c.487+505del (NM_001289157.2); short protein forms I170fs, I200fs, I220fs.
Identifiers: ClinVar variation 1950448 (VCV001950448.7), dbSNP rs2064754424, ClinGen allele CA2187897442.
Genomic context (GRCh38, chr15:74,893,305, plus strand): 5'-TCCCACCTGATGAAGAGTGAGAAGAAGGTGGTGGTGGAACAGCTCAACCTGTTGGTGAAG[CG>C]GATCTCCCAGCAAGGTGGACACAGTTATATTCCTGGTTGGGTGCAATGCTCTGGCCTGGG-3'

ClinVar aggregate classification (germline): Pathogenic/Likely pathogenic. Review status: criteria provided, multiple submitters, no conflicts (2 of 4 stars). 3 submissions from 3 submitters: Pathogenic (2); Likely pathogenic (1). Last evaluated 2026-05-19.

Conditions:
MPI-congenital disorder of glycosylation. Also called: MPI-CDG; CDG Ib; MANNOSEPHOSPHATE ISOMERASE DEFICIENCY; PROTEIN-LOSING ENTEROPATHY-HEPATIC FIBROSIS SYNDROME; MPI DEFICIENCY; CONGENITAL DISORDER OF GLYCOSYLATION, TYPE Ib. Identifiers: Orphanet 79319, MedGen C1865145, MONDO:0011257, OMIM 602579.

Submissions (3):

Myriad Genetics, Inc.
Classification: Pathogenic for MPI-congenital disorder of glycosylation. Last evaluated: 2026-05-19. Review status: criteria provided, single submitter. Criteria: Myriad Autosomal Dominant, Autosomal Recessive and X-Linked Classification Criteria (2023). Collection method: clinical testing. Allele origin: unknown.
Comment: NM_002435.1(MPI):c.657delG(I220Sfs*38) is a frameshift variant classified as pathogenic in the context of congenital disorder of glycosylation, MPI-related. I220Sfs*38 has not been observed in cases with relevant disease. Relevant functional assessments of this variant are not available in the literature. I220Sfs*38 has not been observed in referenced population frequency databases. In summary, NM_002435.1(MPI):c.657delG(I220Sfs*38) is a frameshift variant in a gene where loss of function is a known mechanism of disease and is predicted to disrupt protein function. Please note: this variant was assessed in the context of healthy population screening.

Fulgent Genetics
Classification: Likely pathogenic for MPI-congenital disorder of glycosylation. Last evaluated: 2024-05-29. Review status: criteria provided, single submitter. Criteria: ACMG Guidelines, 2015. Collection method: clinical testing. Allele origin: germline.

Labcorp Genetics (formerly Invitae), Labcorp
Classification: Pathogenic for MPI-congenital disorder of glycosylation. Last evaluated: 2023-09-03. Review status: criteria provided, single submitter. Criteria: Invitae Variant Classification Sherloc (09022015). Collection method: clinical testing. Allele origin: germline.
Comment: For these reasons, this variant has been classified as Pathogenic. This sequence change creates a premature translational stop signal (p.Ile220Serfs*38) in the MPI gene. It is expected to result in an absent or disrupted protein product. Loss-of-function variants in MPI are known to be pathogenic (PMID: 19862844). This variant is not present in population databases (gnomAD no frequency). This variant has not been reported in the literature in individuals affected with MPI-related conditions. ClinVar contains an entry for this variant (Variation ID: 1950448).

Literature cited by the submitters: PubMed 19862844 (cited by Labcorp Genetics (formerly Invitae), Labcorp).